The following is an entry in ClinVar:

NM_198965.2(PTHLH):c.104A>G (p.Lys35Arg)

Gene: PTHLH (parathyroid hormone like hormone; minus strand). Cytogenetic location: 12p11.22.
Variant type: single nucleotide variant.
Coding change: c.104A>G on transcript NM_198965.2 (MANE Select); coding-DNA position 104, A replaced by G.
Protein change: p.Lys35Arg; replaces lysine 35 with arginine.
Molecular consequence: missense variant.
Genome position (GRCh38, 1-based): chr12:27,963,768, T>C on the plus strand (A>G on the coding strand, the complement: PTHLH is on the minus strand). VCF-style: chr12-27963768-T-C. GRCh37 (hg19) VCF-style: chr12-28116701-T-C.
Other names: c.104A>G, p.Lys35Arg (NM_002820.3, NM_198964.2, NM_198966.2); short protein forms K35R.
Identifiers: ClinVar variation 4761213 (VCV004761213.1).
Genomic context (GRCh38, chr12:27,963,768, plus strand): 5'-CGTAAATCTTGGATGGACTTCCCCTTGTCATGGAGGAGCTGATGTTCAGACACAGCTCTT[T>C]TGCTTTGAAAGAAAATATTAGAGGGGAAGAAAACAGTTAAATTTTAGTTGCTGATAGAGA-3'
Protein context (NP_945316.1, residues 25-45): RSVEGLSRRL[Lys35Arg]RAVSEHQLLH

ClinVar aggregate classification (germline): Uncertain significance (1 of 4 stars; one submission).

gnomAD v4.1: 1 of 1,614,056 alleles (0.000062%); highest among the groups gnomAD compares: Non-Finnish European, 0.000085%; no homozygotes.

Submission:

Labcorp Genetics (formerly Invitae), Labcorp
Classification: Uncertain significance. Last evaluated: 2025-09-03. Review status: criteria provided, single submitter. Criteria: Invitae Variant Classification Sherloc (09022015). Collection method: clinical testing. Allele origin: germline.
Comment: This sequence change replaces lysine, which is basic and polar, with arginine, which is basic and polar, at codon 35 of the PTHLH protein (p.Lys35Arg). This variant is not present in population databases (gnomAD no frequency). This variant has not been reported in the literature in individuals affected with PTHLH-related conditions. An algorithm developed to predict the effect of missense changes on protein structure and function (PolyPhen-2) suggests that this variant is likely to be tolerated. Algorithms developed to predict the effect of sequence changes on RNA splicing suggest that this variant may disrupt the consensus splice site. In summary, the available evidence is currently insufficient to determine the role of this variant in disease. Therefore, it has been classified as a Variant of Uncertain Significance.